The following is an entry in ClinVar:

ClinVar aggregate classification (germline): Uncertain significance. Review status: criteria provided, multiple submitters, no conflicts (2 of 4 stars). 2 submissions from 2 submitters: Uncertain significance (2). Last evaluated 2025-06-17.

Conditions:
Malignant hyperthermia, susceptibility to, 1 (MHS1). Also called: RYR1-Related Malignant Hyperthermia Susceptibility; Malignant hyperthermia suceptibility 1; Anesthesia related hyperthermia; Malignant hyperpyrexia; Fulminating hyperpyrexia; Pharmacogenic myopathy. Identifiers: Orphanet 423, MedGen C2930980, MONDO:0007783, OMIM 145600.
RYR1-related disorder. Also called: RYR1-related condition; RYR1-related disorders. Identifiers: MedGen CN239331.

Allele frequency attached by ClinVar (database versions not stated): gnomAD exomes below 0.00001.
gnomAD v4.1: 1 of 1,614,094 alleles (0.000062%); highest among the groups gnomAD compares: Non-Finnish European, 0.000085%; no homozygotes.

Submissions (2):

Color Diagnostics, LLC DBA Color Health
Classification: Uncertain significance for Malignant hyperthermia, susceptibility to, 1. Last evaluated: 2025-06-17. Review status: criteria provided, single submitter. Criteria: ACMG Guidelines, 2015. Collection method: clinical testing. Allele origin: germline.
Comment: This missense variant replaces threonine with alanine at codon 141 of the RYR1 protein. Computational prediction suggests that this variant may not impact protein structure and function. To our knowledge, functional studies have not been reported for this variant. This variant has not been reported in individuals affected with RYR1-related disorders in the literature. This variant has not been identified in the general population by the Genome Aggregation Database (gnomAD). The available evidence is insufficient to determine the role of this variant in disease conclusively. Therefore, this variant is classified as a Variant of Uncertain Significance.

Labcorp Genetics (formerly Invitae), Labcorp
Classification: Uncertain significance for RYR1-related disorder. Last evaluated: 2023-12-11. Review status: criteria provided, single submitter. Criteria: Invitae Variant Classification Sherloc (09022015). Collection method: clinical testing. Allele origin: germline.
Comment: This sequence change replaces threonine, which is neutral and polar, with alanine, which is neutral and non-polar, at codon 141 of the RYR1 protein (p.Thr141Ala). This variant is not present in population databases (gnomAD no frequency). This variant has not been reported in the literature in individuals affected with RYR1-related conditions. ClinVar contains an entry for this variant (Variation ID: 1445100). Advanced modeling of protein sequence and biophysical properties (such as structural, functional, and spatial information, amino acid conservation, physicochemical variation, residue mobility, and thermodynamic stability) performed at Invitae indicates that this missense variant is not expected to disrupt RYR1 protein function with a negative predictive value of 95%. In summary, the available evidence is currently insufficient to determine the role of this variant in disease. Therefore, it has been classified as a Variant of Uncertain Significance.

NM_000540.3(RYR1):c.421A>G (p.Thr141Ala)

Gene: RYR1 (ryanodine receptor 1; plus strand). Cytogenetic location: 19q13.2.
Variant type: single nucleotide variant.
Coding change: c.421A>G on transcript NM_000540.3 (MANE Select); coding-DNA position 421, A replaced by G.
Protein change: p.Thr141Ala; replaces threonine 141 with alanine.
Molecular consequence: missense variant.
Genome position (GRCh38, 1-based): chr19:38,443,793, A>G. VCF-style: chr19-38443793-A-G. GRCh37 (hg19) VCF-style: chr19-38934433-A-G.
Other names: c.421A>G, p.Thr141Ala (NM_001042723.2); short protein forms T141A.
Identifiers: ClinVar variation 1445100 (VCV001445100.8), dbSNP rs2145336477, ClinGen allele CA405676339.